The following is an entry in ClinVar:

ClinVar aggregate classification (germline): Uncertain significance (1 of 4 stars; one submission).

Conditions:
Agammaglobulinemia 2, autosomal recessive (AGM2). Also called: AGAMMAGLOBULINEMIA, AUTOSOMAL RECESSIVE, DUE TO IGLL1 DEFECT. Identifiers: MedGen C3150750, MONDO:0013287, OMIM 613500.

Allele frequency attached by ClinVar (database versions not stated): gnomAD 0.00001; gnomAD exomes 0.00003 and 0.00005; ExAC 0.00004; TOPMed 0.00005.
gnomAD v4.1: 18 of 1,613,800 alleles (0.0011%); highest among the groups gnomAD compares: Admixed American, 0.025%; no homozygotes.

Submission:

Labcorp Genetics (formerly Invitae), Labcorp
Classification: Uncertain significance for Agammaglobulinemia 2, autosomal recessive. Last evaluated: 2026-01-11. Review status: criteria provided, single submitter. Criteria: Invitae Variant Classification Sherloc (09022015). Collection method: clinical testing. Allele origin: germline.
Comment: This sequence change replaces serine, which is neutral and polar, with proline, which is neutral and non-polar, at codon 123 of the IGLL1 protein (p.Ser123Pro). This variant is present in population databases (rs752183941, gnomAD 0.04%). This variant has not been reported in the literature in individuals affected with IGLL1-related conditions. ClinVar contains an entry for this variant (Variation ID: 1435654). An algorithm developed to predict the effect of missense changes on protein structure and function outputs the following: PolyPhen-2: "Benign". The proline amino acid residue is found in multiple mammalian species, which suggests that this missense change does not adversely affect protein function. In summary, the available evidence is currently insufficient to determine the role of this variant in disease. Therefore, it has been classified as a Variant of Uncertain Significance.

NM_020070.4(IGLL1):c.367T>C (p.Ser123Pro)

Gene: IGLL1 (immunoglobulin lambda like polypeptide 1; minus strand). Cytogenetic location: 22q11.23.
Variant type: single nucleotide variant.
Coding change: c.367T>C on transcript NM_020070.4 (MANE Select); coding-DNA position 367, T replaced by C.
Protein change: p.Ser123Pro; replaces serine 123 with proline.
Molecular consequence: missense variant.
Genome position (GRCh38, 1-based): chr22:23,573,541, A>G on the plus strand (T>C on the coding strand, the complement: IGLL1 is on the minus strand). VCF-style: chr22-23573541-A-G. GRCh37 (hg19) VCF-style: chr22-23915728-A-G.
Other names: c.370T>C, p.Ser124Pro (NM_001369906.1); c.251T>C, p.Leu84Pro (NM_152855.3); short protein forms S123P, L84P, S124P.
Identifiers: ClinVar variation 1435654 (VCV001435654.8), dbSNP rs752183941, ClinGen allele CA10143289.